The following is an entry in ClinVar:

NM_006914.4(RORB):c.1250C>T (p.Thr417Met)

Gene: RORB (RAR related orphan receptor B; plus strand). Cytogenetic location: 9q21.13.
Variant type: single nucleotide variant.
Coding change: c.1250C>T on transcript NM_006914.4 (MANE Select); coding-DNA position 1250, C replaced by T.
Protein change: p.Thr417Met; replaces threonine 417 with methionine.
Molecular consequence: missense variant.
Genome position (GRCh38, 1-based): chr9:74,685,488, C>T. VCF-style: chr9-74685488-C-T. GRCh37 (hg19) VCF-style: chr9-77300404-C-T.
Other names: c.1283C>T, p.Thr428Met (NM_001365023.1); short protein forms T428M, T417M.
Identifiers: ClinVar variation 3689670 (VCV003689670.2).
Genomic context (GRCh38, chr9:74,685,488, plus strand): 5'-CTCTCTATCTCCCTCTCTGTCTCTCCGTTCTGCAGTTAATAGCCAAGATACCAACCATCA[C>T]GGCAGTTTGCAACTTGCACGGGGAGAAGCTGCAGGTATTTAAGCAATCTCATCCAGAGAT-3'
Protein context (NP_008845.2, residues 407-427): AKLIAKIPTI[Thr417Met]AVCNLHGEKL

ClinVar aggregate classification (germline): Uncertain significance (1 of 4 stars; one submission).

gnomAD v4.1: 4 of 1,612,344 alleles (0.00025%); highest among the groups gnomAD compares: East Asian, 0.0022%; no homozygotes.

Submission:

Labcorp Genetics (formerly Invitae), Labcorp
Classification: Uncertain significance. Last evaluated: 2024-10-28. Review status: criteria provided, single submitter. Criteria: Invitae Variant Classification Sherloc (09022015). Collection method: clinical testing. Allele origin: germline.
Comment: This sequence change replaces threonine, which is neutral and polar, with methionine, which is neutral and non-polar, at codon 417 of the RORB protein (p.Thr417Met). This variant is present in population databases (rs767844136, gnomAD 0.003%). This variant has not been reported in the literature in individuals affected with RORB-related conditions. An algorithm developed to predict the effect of missense changes on protein structure and function (PolyPhen-2) suggests that this variant is likely to be disruptive. In summary, the available evidence is currently insufficient to determine the role of this variant in disease. Therefore, it has been classified as a Variant of Uncertain Significance.